The following is an entry in ClinVar:

NM_024529.5(CDC73):c.1307C>T (p.Pro436Leu)

Gene: CDC73 (cell division cycle 73; plus strand). Cytogenetic location: 1q31.2.
Variant type: single nucleotide variant.
Coding change: c.1307C>T on transcript NM_024529.5 (MANE Select); coding-DNA position 1307, C replaced by T.
Protein change: p.Pro436Leu; replaces proline 436 with leucine.
Molecular consequence: missense variant.
Genome position (GRCh38, 1-based): chr1:193,233,145, C>T. VCF-style: chr1-193233145-C-T. GRCh37 (hg19) VCF-style: chr1-193202275-C-T.
Other names: short protein forms P436L.
Identifiers: ClinVar variation 531650 (VCV000531650.11), dbSNP rs1344996460, ClinGen allele CA344078056.

ClinVar aggregate classification (germline): Uncertain significance. Review status: criteria provided, multiple submitters, no conflicts (2 of 4 stars). 2 submissions from 2 submitters: Uncertain significance (2). Last evaluated 2025-11-19.

Conditions:
Hereditary cancer-predisposing syndrome. Also called: Hereditary neoplastic syndrome; Neoplastic Syndromes, Hereditary; Tumor predisposition; Hereditary Cancer Syndrome. Identifiers: Orphanet 140162, MedGen C0027672, MeSH D009386, MONDO:0015356.
Parathyroid carcinoma (PRTC). Also called: Parathyroid gland carcinoma; CDC73-Related Parathyroid Carcinoma. Identifiers: Orphanet 143, MedGen C0687150, MONDO:0012004, OMIM 608266, HP:0006780.

gnomAD v4.1: 1 of 1,611,216 alleles (0.000062%); highest among the groups gnomAD compares: Admixed American, 0.0017%; no homozygotes.

Submissions (2):

Labcorp Genetics (formerly Invitae), Labcorp
Classification: Uncertain significance for Parathyroid carcinoma. Last evaluated: 2025-11-19. Review status: criteria provided, single submitter. Criteria: Invitae Variant Classification Sherloc (09022015). Collection method: clinical testing. Allele origin: germline.
Comment: This sequence change replaces proline, which is neutral and non-polar, with leucine, which is neutral and non-polar, at codon 436 of the CDC73 protein (p.Pro436Leu). This variant is present in population databases (no rsID available, gnomAD 0.1%). This variant has not been reported in the literature in individuals affected with CDC73-related conditions. ClinVar contains an entry for this variant (Variation ID: 531650). Invitae Evidence Modeling of protein sequence and biophysical properties (such as structural, functional, and spatial information, amino acid conservation, physicochemical variation, residue mobility, and thermodynamic stability) indicates that this missense variant is not expected to disrupt CDC73 protein function with a negative predictive value of 80%. In summary, the available evidence is currently insufficient to determine the role of this variant in disease. Therefore, it has been classified as a Variant of Uncertain Significance.

Ambry Genetics
Classification: Uncertain significance for Hereditary cancer-predisposing syndrome. Last evaluated: 2021-12-29. Review status: criteria provided, single submitter. Criteria: Ambry Variant Classification Scheme 2023. Collection method: clinical testing. Allele origin: germline.
Comment: The p.P436L variant (also known as c.1307C>T), located in coding exon 14 of the CDC73 gene, results from a C to T substitution at nucleotide position 1307. The proline at codon 436 is replaced by leucine, an amino acid with similar properties. This amino acid position is highly conserved in available vertebrate species. In addition, the in silico prediction for this alteration is inconclusive. Since supporting evidence is limited at this time, the clinical significance of this alteration remains unclear.